The following is an entry in ClinVar:

NM_001367871.1(FBRSL1):c.1886G>C (p.Ser629Thr)

Gene: FBRSL1 (fibrosin like 1; plus strand). Cytogenetic location: 12q24.33.
Variant type: single nucleotide variant.
Coding change: c.1886G>C on transcript NM_001367871.1 (MANE Select); coding-DNA position 1886, G replaced by C.
Protein change: p.Ser629Thr; replaces serine 629 with threonine.
Molecular consequence: missense variant.
Genome position (GRCh38, 1-based): chr12:132,581,490, G>C. VCF-style: chr12-132581490-G-C. GRCh37 (hg19) VCF-style: chr12-133158076-G-C.
Other names: c.2015G>C, p.Ser672Thr (NM_001142641.2); c.1940G>C, p.Ser647Thr (NM_001382739.1); c.1265G>C, p.Ser422Thr (NM_001382740.1); short protein forms S422T, S629T, S647T, S672T.
Identifiers: ClinVar variation 2632024 (VCV002632024.1), dbSNP rs1274787495, ClinGen allele CA387375992.

ClinVar aggregate classification (germline): Uncertain significance (1 of 4 stars; one submission).

Conditions:
FBRSL1-related disorder. Also called: FBRSL1-related condition.

gnomAD v4.1: 2 of 1,551,106 alleles (0.00013%); highest among the groups gnomAD compares: Admixed American, 0.0039%; no homozygotes.

Submission:

PreventionGenetics, part of Exact Sciences
Classification: Uncertain significance for FBRSL1-related condition. Last evaluated: 2023-02-16. Review status: criteria provided, single submitter. Criteria: ACMG Guidelines, 2015. Collection method: clinical testing. Allele origin: germline.
Comment: The FBRSL1 c.2015G>C variant is predicted to result in the amino acid substitution p.Ser672Thr. To our knowledge, this variant has not been reported in the literature. This variant is reported in 0.0081% of alleles in individuals of Latino descent in gnomAD. At this time, the clinical significance of this variant is uncertain due to the absence of conclusive functional and genetic evidence.